The following is an entry in ClinVar:

ClinVar aggregate classification (germline): Benign. Review status: criteria provided, multiple submitters, no conflicts (2 of 4 stars). 2 submissions from 2 submitters: Benign (2). Last evaluated 2018-06-14.

Allele frequency attached by ClinVar (database versions not stated): TOPMed 0.17617; gnomAD 0.18079 and 0.18712; 1000 Genomes Project 30x 0.19660; 1000 Genomes Project 0.20587; gnomAD exomes 0.23550.
gnomAD v4.1: 314,064 of 1,365,270 alleles (23%); highest among the groups gnomAD compares: Middle Eastern, 28%; 38,475 homozygotes.

Submissions (2):

GeneDx
Classification: Benign. Last evaluated: 2018-06-14. Review status: criteria provided, single submitter. Criteria: GeneDx Variant Classification (06012015). Collection method: clinical testing. Allele origin: germline. Affected: yes.
Comment: This variant is considered likely benign or benign based on one or more of the following criteria: it is a conservative change, it occurs at a poorly conserved position in the protein, it is predicted to be benign by multiple in silico algorithms, and/or has population frequency not consistent with disease.

Breakthrough Genomics
Classification: Benign. Review status: criteria provided, single submitter. Criteria: ACMG Guidelines, 2015. Collection method: not provided. Allele origin: germline. Inheritance: Autosomal recessive inheritance. Affected: yes.

NM_000209.4(PDX1):c.407-70G>C

Gene: PDX1 (pancreatic and duodenal homeobox 1; plus strand). Cytogenetic location: 13q12.2.
Variant type: single nucleotide variant.
Coding change: c.407-70G>C on transcript NM_000209.4 (MANE Select); 70 bases into the intron before coding-DNA position 407, G replaced by C.
Molecular consequence: intron variant.
Genome position (GRCh38, 1-based): chr13:27,924,186, G>C. VCF-style: chr13-27924186-G-C. GRCh37 (hg19) VCF-style: chr13-28498323-G-C.
Identifiers: ClinVar variation 673552 (VCV000673552.2), dbSNP rs9805632, ClinGen allele CA13841975.